The following is an entry in ClinVar:

ClinVar aggregate classification (germline): Conflicting classifications of pathogenicity. Review status: criteria provided, conflicting classifications (1 of 4 stars). 2 submissions from 2 submitters: Uncertain significance (1); Likely benign (1). Last evaluated 2022-11-17.

Conditions:
Inborn genetic diseases. Identifiers: MedGen C0950123, MeSH D030342.
LAMA2-related muscular dystrophy (LAMA2-RD). Also called: Laminin alpha 2-related dystrophy. Identifiers: MedGen C5679788, MONDO:0100228.

Allele frequency attached by ClinVar (database versions not stated): gnomAD 0.00001; gnomAD exomes 0.00001; TOPMed 0.00001.
gnomAD v4.1: 8 of 1,613,818 alleles (0.0005%); highest among the groups gnomAD compares: Admixed American, 0.0033%; no homozygotes.

Submissions (2):

Ambry Genetics
Classification: Likely benign for Inborn genetic diseases. Last evaluated: 2022-11-17. Review status: criteria provided, single submitter. Criteria: Ambry Variant Classification Scheme 2023. Collection method: clinical testing. Allele origin: germline.

Labcorp Genetics (formerly Invitae), Labcorp
Classification: Uncertain significance for LAMA2-related muscular dystrophy. Last evaluated: 2022-03-27. Review status: criteria provided, single submitter. Criteria: Invitae Variant Classification Sherloc (09022015). Collection method: clinical testing. Allele origin: germline.
Comment: This sequence change replaces glutamic acid, which is acidic and polar, with lysine, which is basic and polar, at codon 1708 of the LAMA2 protein (p.Glu1708Lys). This variant is present in population databases (no rsID available, gnomAD 0.01%). This variant has not been reported in the literature in individuals affected with LAMA2-related conditions. ClinVar contains an entry for this variant (Variation ID: 1007300). Advanced modeling of protein sequence and biophysical properties (such as structural, functional, and spatial information, amino acid conservation, physicochemical variation, residue mobility, and thermodynamic stability) performed at Invitae indicates that this missense variant is not expected to disrupt LAMA2 protein function. In summary, the available evidence is currently insufficient to determine the role of this variant in disease. Therefore, it has been classified as a Variant of Uncertain Significance.

NM_000426.4(LAMA2):c.5122G>A (p.Glu1708Lys)

Gene: LAMA2 (laminin subunit alpha 2; plus strand). Cytogenetic location: 6q22.33.
Variant type: single nucleotide variant.
Coding change: c.5122G>A on transcript NM_000426.4 (MANE Select); coding-DNA position 5122, G replaced by A.
Protein change: p.Glu1708Lys; replaces glutamic acid 1708 with lysine.
Molecular consequence: missense variant.
Genome position (GRCh38, 1-based): chr6:129,391,541, G>A. VCF-style: chr6-129391541-G-A. GRCh37 (hg19) VCF-style: chr6-129712686-G-A.
Other names: c.5122G>A (NM_000426.3); c.5122G>A, p.Glu1708Lys (NM_001079823.2); short protein forms E1708K.
Identifiers: ClinVar variation 1007300 (VCV001007300.4), dbSNP rs1485209355, ClinGen allele CA365613996.
Genomic context (GRCh38, chr6:129,391,541, plus strand): 5'-CCCCCTGCAGCTGTAAATGAAAAAGCTATAAAACTAAATGAAACTCTAGGAACTCGAGAC[G>A]AGGCCTTTGAGAGAAATTTGGAAGGGCTTCAGAAAGAGATTGACCAGATGATTAAAGAAC-3'
Protein context (NP_000417.3, residues 1698-1718): KLNETLGTRD[Glu1708Lys]AFERNLEGLQ